The following is an entry in ClinVar:

NM_177438.3(DICER1):c.3337T>G (p.Ser1113Ala)

Gene: DICER1 (dicer 1, ribonuclease III; minus strand). Cytogenetic location: 14q32.13.
Variant type: single nucleotide variant.
Coding change: c.3337T>G on transcript NM_177438.3 (MANE Select); coding-DNA position 3337, T replaced by G.
Protein change: p.Ser1113Ala; replaces serine 1113 with alanine.
Molecular consequence: missense variant. On other transcripts: non-coding transcript variant (4).
Genome position (GRCh38, 1-based): chr14:95,104,059, A>C on the plus strand (T>G on the coding strand, the complement: DICER1 is on the minus strand). VCF-style: chr14-95104059-A-C. GRCh37 (hg19) VCF-style: chr14-95570396-A-C.
Other names: c.3337T>G, p.Ser1113Ala (NM_001195573.1, NM_001271282.3, NM_001291628.2 and 13 more transcripts); c.3055T>G, p.Ser1019Ala (NM_001395686.1); c.2932T>G, p.Ser978Ala (NM_001395687.1, NM_001395688.1, NM_001395689.1 and 2 more transcripts); c.2770T>G, p.Ser924Ala (NM_001395691.1); c.1654T>G, p.Ser552Ala (NM_001395697.1); short protein forms S1113A, S552A, S924A, S1019A, S978A.
Identifiers: ClinVar variation 2451719 (VCV002451719.3), dbSNP rs1595367700, ClinGen allele CA390875854.
Genomic context (GRCh38, chr14:95,104,059, plus strand): 5'-CAGCATTTTCAGGGACAATTGTGCTGTGCTTACAGTAATTATCATTTTCAGCTGAAGAGG[A>C]GTTAGAAATTGAGATGAAAGATTTGCTGTCAATAGATTTTTTCCACCCGAAGTCTAAGTT-3'
Protein context (NP_803187.1, residues 1103-1123): DSKSFISISN[Ser1113Ala]SSAENDNYCK

ClinVar aggregate classification (germline): Uncertain significance. Review status: criteria provided, multiple submitters, no conflicts (2 of 4 stars). 2 submissions from 2 submitters: Uncertain significance (2). Last evaluated 2025-09-03.

Conditions:
DICER1-related tumor predisposition. Also called: DICER1 syndrome; DICER1-related pleuropulmonary blastoma cancer predisposition syndrome. Identifiers: Orphanet 284343, MedGen C3839822, MONDO:0100216.
Hereditary cancer-predisposing syndrome. Also called: Hereditary neoplastic syndrome; Tumor predisposition; Neoplastic Syndromes, Hereditary; Hereditary Cancer Syndrome. Identifiers: Orphanet 140162, MedGen C0027672, MeSH D009386, MONDO:0015356.

Allele frequency attached by ClinVar (database versions not stated): gnomAD exomes below 0.00001; TOPMed below 0.00001.
gnomAD v4.1: 1 of 1,614,098 alleles (0.000062%); highest among the groups gnomAD compares: African/African-American, 0.0013%; no homozygotes.

Submissions (2):

Labcorp Genetics (formerly Invitae), Labcorp
Classification: Uncertain significance for DICER1-related tumor predisposition. Last evaluated: 2025-09-03. Review status: criteria provided, single submitter. Criteria: Invitae Variant Classification Sherloc (09022015). Collection method: clinical testing. Allele origin: germline.
Comment: This sequence change replaces serine, which is neutral and polar, with alanine, which is neutral and non-polar, at codon 1113 of the DICER1 protein (p.Ser1113Ala). This variant is not present in population databases (gnomAD no frequency). This variant has not been reported in the literature in individuals affected with DICER1-related conditions. ClinVar contains an entry for this variant (Variation ID: 2451719). Invitae Evidence Modeling of protein sequence and biophysical properties (such as structural, functional, and spatial information, amino acid conservation, physicochemical variation, residue mobility, and thermodynamic stability) indicates that this missense variant is not expected to disrupt DICER1 protein function with a negative predictive value of 95%. In summary, the available evidence is currently insufficient to determine the role of this variant in disease. Therefore, it has been classified as a Variant of Uncertain Significance.

Ambry Genetics
Classification: Uncertain significance for Hereditary cancer-predisposing syndrome. Last evaluated: 2023-01-29. Review status: criteria provided, single submitter. Criteria: Ambry Variant Classification Scheme 2023. Collection method: clinical testing. Allele origin: germline.
Comment: The p.S1113A variant (also known as c.3337T>G), located in coding exon 20 of the DICER1 gene, results from a T to G substitution at nucleotide position 3337. The serine at codon 1113 is replaced by alanine, an amino acid with similar properties. This amino acid position is conserved. In addition, this alteration is predicted to be tolerated by in silico analysis. Since supporting evidence is limited at this time, the clinical significance of this alteration remains unclear.